The following is an entry in ClinVar:

ClinVar aggregate classification (germline): Uncertain significance (1 of 4 stars; one submission).

Conditions:
Baller-Gerold syndrome (BGS). Also called: CRANIOSYNOSTOSIS WITH RADIAL DEFECTS. Identifiers: Orphanet 1225, MedGen C0265308, MONDO:0009039, OMIM 218600.

Allele frequency attached by ClinVar (database versions not stated): ExAC 0.00001; gnomAD exomes 0.00001 and 0.00002; TOPMed 0.00001.
gnomAD v4.1: 25 of 1,612,300 alleles (0.0016%); highest among the groups gnomAD compares: Admixed American, 0.0033%; no homozygotes.

Submission:

Labcorp Genetics (formerly Invitae), Labcorp
Classification: Uncertain significance for Baller-Gerold syndrome. Last evaluated: 2023-11-27. Review status: criteria provided, single submitter. Criteria: Invitae Variant Classification Sherloc (09022015). Collection method: clinical testing. Allele origin: germline.
Comment: This sequence change replaces arginine, which is basic and polar, with cysteine, which is neutral and slightly polar, at codon 1022 of the RECQL4 protein (p.Arg1022Cys). This variant is present in population databases (rs758008013, gnomAD 0.002%). This variant has not been reported in the literature in individuals affected with RECQL4-related conditions. ClinVar contains an entry for this variant (Variation ID: 966684). Advanced modeling of protein sequence and biophysical properties (such as structural, functional, and spatial information, amino acid conservation, physicochemical variation, residue mobility, and thermodynamic stability) performed at Invitae indicates that this missense variant is not expected to disrupt RECQL4 protein function with a negative predictive value of 80%. Algorithms developed to predict the effect of sequence changes on RNA splicing suggest that this variant may create or strengthen a splice site. In summary, the available evidence is currently insufficient to determine the role of this variant in disease. Therefore, it has been classified as a Variant of Uncertain Significance.

NM_004260.4(RECQL4):c.3064C>T (p.Arg1022Cys)

Gene: RECQL4 (RecQ like helicase 4; minus strand). Cytogenetic location: 8q24.3.
Variant type: single nucleotide variant.
Coding change: c.3064C>T on transcript NM_004260.4 (MANE Select); coding-DNA position 3064, C replaced by T.
Protein change: p.Arg1022Cys; replaces arginine 1022 with cysteine.
Molecular consequence: missense variant.
Genome position (GRCh38, 1-based): chr8:144,512,316, G>A on the plus strand (C>T on the coding strand, the complement: RECQL4 is on the minus strand). VCF-style: chr8-144512316-G-A. GRCh37 (hg19) VCF-style: chr8-145737699-G-A.
Other names: short protein forms R1022C.
Identifiers: ClinVar variation 966684 (VCV000966684.6), dbSNP rs758008013, ClinGen allele CA4947939.
Genomic context (GRCh38, chr8:144,512,316, plus strand): 5'-CCCCCGGGCTGCGAAGGTGGAAGGCCAGCTCACTGAACTCCACAAGCACCCCTGTCCCAC[G>A]CCGCACACCTGCCGGAAAGCATGTCAGATGCAGGCAGGCAGCGTCCAGGGCGGTGTGGGG-3'
Protein context (NP_004251.4, residues 1012-1032): WDHEPRTGVR[Arg1022Cys]GTGVLVEFSE